The following is an entry in ClinVar:

GRCh37/hg19 16p13.11(chr16:15351247-16458408)x1

Genes: ABCC1 (ATP binding cassette subfamily C member 1 (ABCC1 blood group); plus strand), ABCC6 (ATP binding cassette subfamily C member 6; minus strand), BMERB1 (bMERB domain containing 1; plus strand), CEP20 (centrosomal protein 20; minus strand), MARF1 (meiosis regulator and mRNA stability factor 1; minus strand) and 5 more. Cytogenetic location: 16p13.11.
Variant type: copy number loss.
Change: copy number 1 (one copy instead of two) of chr16:15,351,247-16,458,408 (1.11 Mb, GRCh37 coordinates, 1-based), cytogenetic band 16p13.11.
Identifiers: ClinVar variation 564286 (VCV000564286.4).

ClinVar aggregate classification (germline): Pathogenic (1 of 4 stars; one submission).

Submission:

Quest Diagnostics Nichols Institute San Juan Capistrano
Classification: Pathogenic. Last evaluated: 2024-01-15. Review status: criteria provided, single submitter. Criteria: ACMG/ClinGen CNV Guidelines, 2019. Collection method: clinical testing. Allele origin: unknown.
Comment: This copy number loss represents the recurrent 16p13.11 BP2-BP3 deletion region (ISCA-37415), containing the proposed critical genes NDE1 (OMIM 609449) and MYH11 (OMIM 160745) (Granata 2022, Heinzen 2010, Nagamani 2011, Ullmann 2007). Inheritance from an unaffected or mildly affected parent has been reported. This copy number variant (CNV) is classified as pathogenic. References: Granata et al., Front Genet. 2022 Mar 15;13:798607. PMID: 35368691; Heinzen et al., Am J Hum Genet. 2010 May 14;86(5):707-18. PMID: 20398883; Nagamani et al., Eur J Hum Genet. 2011 Mar;19(3):280-6. PMID: 21150890; Ullmann et al., Hum Mutat. 2007 Jul;28(7):674-82. PMID: 17480036